The following is an entry in ClinVar:

ClinVar aggregate classification (germline): Uncertain significance. Review status: criteria provided, multiple submitters, no conflicts (2 of 4 stars). 2 submissions from 2 submitters: Uncertain significance (2). Last evaluated 2026-07-06.

Conditions:
Neurofibromatosis, type 2 (SWNV). Also called: SCHWANNOMATOSIS, VESTIBULAR; BILATERAL ACOUSTIC NEUROFIBROMATOSIS; NF2-Related Schwannomatosis. Identifiers: Orphanet 637, MedGen C0027832, MONDO:0007039, OMIM 101000. Disease mechanism: loss of function.
Hereditary cancer-predisposing syndrome. Also called: Neoplastic Syndromes, Hereditary; Tumor predisposition; Hereditary Cancer Syndrome; Hereditary neoplastic syndrome. Identifiers: Orphanet 140162, MedGen C0027672, MeSH D009386, MONDO:0015356.

Allele frequency attached by ClinVar (database versions not stated): gnomAD exomes below 0.00001.
gnomAD v4.1: 1 of 1,614,172 alleles (0.000062%); highest among the groups gnomAD compares: Non-Finnish European, 0.000085%; no homozygotes.

Submissions (2):

Ambry Genetics
Classification: Uncertain significance for Hereditary cancer-predisposing syndrome. Last evaluated: 2026-07-06. Review status: criteria provided, single submitter. Criteria: Ambry Variant Classification Scheme 2023. Collection method: clinical testing. Allele origin: germline.
Comment: The p.P580L variant (also known as c.1739C>T), located in coding exon 16 of the NF2 gene, results from a C to T substitution at nucleotide position 1739. The proline at codon 580 is replaced by leucine, an amino acid with similar properties. This amino acid position is conserved. In addition, this alteration is predicted to be tolerated by in silico analysis. Based on the available evidence, the clinical significance of this variant remains unclear.

St. Jude Molecular Pathology, St. Jude Children's Research Hospital
Classification: Uncertain significance for Neurofibromatosis, type 2. Last evaluated: 2021-05-27. Review status: criteria provided, single submitter. Criteria: St. Jude Assertion Criteria 2020. Collection method: clinical testing. Allele origin: germline.
Comment: The NF2 c.1739C>T (p.Pro580Leu) missense change is absent in gnomAD v2.1.1. In silico tools are not in agreement about the effect of this variant on protein function, but to our knowledge these predictions have not been confirmed by functional assays. This variant is located adjacent to the acceptor splice site of intron 15, however RNA studies suggest that the variant does not affect splicing (internal data). To our knowledge, this variant has not been reported in individuals with Neurofibromatosis type 2. In summary, this variant meets criteria to be classified as of uncertain significance based on the ACMG/AMP criteria: no criteria met.

NM_000268.4(NF2):c.1737+1420C>T

Gene: NF2 (NF2, moesin-ezrin-radixin like (MERLIN) tumor suppressor; plus strand). Cytogenetic location: 22q12.2.
Variant type: single nucleotide variant.
Coding change: c.1737+1420C>T on transcript NM_000268.4 (MANE Select); 1420 bases into the intron after coding-DNA position 1737, C replaced by T.
Molecular consequence: intron variant. On other transcripts: missense variant (7).
Genome position (GRCh38, 1-based): chr22:29,683,021, C>T. VCF-style: chr22-29683021-C-T. GRCh37 (hg19) VCF-style: chr22-30079010-C-T.
Other names: c.1613C>T, p.Pro538Leu (NM_181828.3); c.1616C>T, p.Pro539Leu (NM_181829.3); c.1490C>T, p.Pro497Leu (NM_181830.3, NM_181831.3); c.1739C>T, p.Pro580Leu (NM_181832.3, NM_016418.5, NM_181825.3); c.448-11731C>T (NM_181833.3); c.1739C>T (NM_181832.2); short protein forms P497L, P538L, P539L, P580L.
Identifiers: ClinVar variation 1172746 (VCV001172746.4), dbSNP rs2147129677, ClinGen allele CA411150571.